The following is an entry in ClinVar:

NM_000063.6(C2):c.637C>A (p.Pro213Thr)

Gene: C2 (complement C2; plus strand). Cytogenetic location: 6p21.33.
Variant type: single nucleotide variant.
Coding change: c.637C>A on transcript NM_000063.6 (MANE Select); coding-DNA position 637, C replaced by A.
Protein change: p.Pro213Thr; replaces proline 213 with threonine.
Molecular consequence: missense variant. On other transcripts: intron variant (1).
Genome position (GRCh38, 1-based): chr6:31,933,887, C>A. VCF-style: chr6-31933887-C-A. GRCh37 (hg19) VCF-style: chr6-31901664-C-A.
Other names: c.241C>A, p.Pro81Thr (NM_001145903.3); c.268C>A, p.Pro90Thr (NM_001178063.3); c.550C>A, p.Pro184Thr (NM_001282458.2); c.637C>A, p.Pro213Thr (NM_001282459.2); c.111+104C>A (NM_001282457.2); short protein forms P81T, P90T, P184T, P213T.
Identifiers: ClinVar variation 1441151 (VCV001441151.8), dbSNP rs148330562, ClinGen allele CA3727459.

ClinVar aggregate classification (germline): Uncertain significance (1 of 4 stars; one submission).

Allele frequency attached by ClinVar (database versions not stated): TOPMed below 0.00001; gnomAD 0.00001; ExAC 0.00002; ESP Exome Variant Server 0.00008; 1000 Genomes Project 30x 0.00016; gnomAD exomes 0.00002.
gnomAD v4.1: 6 of 1,614,160 alleles (0.00037%); highest among the groups gnomAD compares: African/African-American, 0.0053%; no homozygotes.

Submission:

Labcorp Genetics (formerly Invitae), Labcorp
Classification: Uncertain significance. Last evaluated: 2021-02-27. Review status: criteria provided, single submitter. Criteria: Invitae Variant Classification Sherloc (09022015). Collection method: clinical testing. Allele origin: germline.
Comment: This variant has not been reported in the literature in individuals with C2-related conditions. This variant is present in population databases (rs148330562, ExAC 0.01%). This sequence change replaces proline with threonine at codon 213 of the C2 protein (p.Pro213Thr). The proline residue is highly conserved and there is a small physicochemical difference between proline and threonine. Algorithms developed to predict the effect of missense changes on protein structure and function are either unavailable or do not agree on the potential impact of this missense change (SIFT: "Deleterious"; PolyPhen-2: "Benign"; Align-GVGD: "Class C35"). In summary, the available evidence is currently insufficient to determine the role of this variant in disease. Therefore, it has been classified as a Variant of Uncertain Significance.